The following is an entry in ClinVar:

ClinVar aggregate classification (germline): Uncertain significance (1 of 4 stars; one submission).

Conditions:
PLXNA3-related disorder. Also called: PLXNA3-related condition.

Submission:

PreventionGenetics, part of Exact Sciences
Classification: Uncertain significance for PLXNA3-related condition. Last evaluated: 2026-03-18. Review status: criteria provided, single submitter. Criteria: ACMG Guidelines, 2015. Collection method: clinical testing. Allele origin: germline.
Comment: The PLXNA3 c.4544A>T variant is predicted to result in the amino acid substitution p.Tyr1515Phe. To our knowledge, this variant has not been reported in the literature. This variant is reported in 0.021% of alleles in individuals of African descent in gnomAD. At this time, the clinical significance of this variant is uncertain due to the absence of conclusive functional and genetic evidence.

NM_017514.5(PLXNA3):c.4544A>T (p.Tyr1515Phe)

Gene: PLXNA3 (plexin A3; plus strand). Cytogenetic location: Xq28.
Variant type: single nucleotide variant.
Coding change: c.4544A>T on transcript NM_017514.5 (MANE Select); coding-DNA position 4544, A replaced by T.
Protein change: p.Tyr1515Phe; replaces tyrosine 1515 with phenylalanine.
Molecular consequence: missense variant.
Genome position (GRCh38, 1-based): chrX:154,469,165, A>T. VCF-style: chrX-154469165-A-T. GRCh37 (hg19) VCF-style: chrX-153697508-A-T.
Other names: short protein forms Y1515F.
Identifiers: ClinVar variation 4977118 (VCV004977118.1).